The following is an entry in ClinVar:

ClinVar aggregate classification (germline): Uncertain significance. Review status: criteria provided, multiple submitters, no conflicts (2 of 4 stars). 2 submissions from 2 submitters: Uncertain significance (2). Last evaluated 2025-02-25.

Conditions:
Isolated microphthalmia 5. Also called: Posterior Microphthalmia with Retinitis Pigmentosa, Foveoschisis, and Optic Disc Drusen. Identifiers: Orphanet 251279, MedGen C1970236, MONDO:0012605, OMIM 611040.
Inborn genetic diseases. Identifiers: MedGen C0950123, MeSH D030342.

Allele frequency attached by ClinVar (database versions not stated): gnomAD 0.00001.
gnomAD v4.1: 3 of 1,606,616 alleles (0.00019%); highest among the groups gnomAD compares: South Asian, 0.0011%; no homozygotes.

Submissions (2):

Ambry Genetics
Classification: Uncertain significance for Inborn genetic diseases. Last evaluated: 2025-02-25. Review status: criteria provided, single submitter. Criteria: Ambry Variant Classification Scheme 2023. Collection method: clinical testing. Allele origin: germline.

Labcorp Genetics (formerly Invitae), Labcorp
Classification: Uncertain significance for Isolated microphthalmia 5. Last evaluated: 2021-12-18. Review status: criteria provided, single submitter. Criteria: Invitae Variant Classification Sherloc (09022015). Collection method: clinical testing. Allele origin: germline.
Comment: This sequence change replaces proline, which is neutral and non-polar, with threonine, which is neutral and polar, at codon 221 of the MFRP protein (p.Pro221Thr). This variant is not present in population databases (gnomAD no frequency). This variant has not been reported in the literature in individuals affected with MFRP-related conditions. Algorithms developed to predict the effect of missense changes on protein structure and function (SIFT, PolyPhen-2, Align-GVGD) all suggest that this variant is likely to be disruptive. In summary, the available evidence is currently insufficient to determine the role of this variant in disease. Therefore, it has been classified as a Variant of Uncertain Significance.

NM_031433.4(MFRP):c.661C>A (p.Pro221Thr)

Genes: C1QTNF5 (C1q and TNF related 5; minus strand), MFRP (membrane frizzled-related protein; minus strand). Cytogenetic location: 11q23.3.
Variant type: single nucleotide variant.
Coding change: c.661C>A on transcript NM_031433.4 (MANE Select); coding-DNA position 661, C replaced by A.
Protein change: p.Pro221Thr; replaces proline 221 with threonine.
Molecular consequence: missense variant. On other transcripts: 5 prime UTR variant (1).
Genome position (GRCh38, 1-based): chr11:119,344,985, G>T on the plus strand (C>A on the coding strand, the complement: MFRP is on the minus strand). VCF-style: chr11-119344985-G-T. GRCh37 (hg19) VCF-style: chr11-119215695-G-T.
Other names: c.-1976C>A (NM_015645.5); short protein forms P221T.
Identifiers: ClinVar variation 2171525 (VCV002171525.4), dbSNP rs755918659, ClinGen allele CA382977736.